The following is an entry in ClinVar:

NM_000059.4(BRCA2):c.1292_1293del (p.Thr431fs)

Gene: BRCA2 (BRCA2 DNA repair associated; plus strand). Cytogenetic location: 13q13.1.
Variant type: Microsatellite.
Coding change: c.1292_1293del on transcript NM_000059.4 (MANE Select); coding-DNA positions 1292 to 1293, 2 bases deleted (CA; older notation c.1292_1293delCA).
Protein change: p.Thr431fs; shifts the reading frame from threonine 431.
Molecular consequence: frameshift variant.
Genome position (GRCh38, 1-based): chr13:32,332,770-32,332,771, CA deleted; deleting any 2 consecutive bases within chr13:32,332,767-32,332,771 gives the same sequence; the c. name uses the placement nearest the transcript's 3' end. VCF-style (leftmost placement, unchanged base first): chr13-32332766-GAC-G. GRCh37 (hg19) VCF-style: chr13-32906903-GAC-G.
Other names: c.1292_1293delCA (NM_000059.3); short protein forms T431fs.
Identifiers: ClinVar variation 254490 (VCV000254490.2), dbSNP rs886038064, ClinGen allele CA10586493.

ClinVar aggregate classification (germline): Pathogenic (3 of 4 stars; one submission).

Conditions:
Breast-ovarian cancer, familial, susceptibility to, 2 (BROVCA2). Also called: BRCA2 Hereditary Breast and Ovarian Cancer. Identifiers: Orphanet 145, MedGen C2675520, MONDO:0012933, OMIM 612555. Disease mechanism: loss of function.

Submission:

Evidence-based Network for the Interpretation of Germline Mutant Alleles (ENIGMA)
Classification: Pathogenic for Breast-ovarian cancer, familial, susceptibility to, 2. Last evaluated: 2016-09-08. Review status: reviewed by expert panel. Criteria: ENIGMA BRCA1/2 Classification Criteria (2015). Collection method: curation. Allele origin: germline.
Comment: Variant allele predicted to encode a truncated non-functional protein.